The following is an entry in ClinVar:

ClinVar aggregate classification (germline): Uncertain significance (1 of 4 stars; one submission).

Conditions:
Distal hereditary motor neuropathy type 2. Identifiers: Orphanet 139525, MedGen C3711384, MeSH C580044, MONDO:0015352.

Submission:

Labcorp Genetics (formerly Invitae), Labcorp
Classification: Uncertain significance for Distal hereditary motor neuropathy type 2. Last evaluated: 2022-10-19. Review status: criteria provided, single submitter. Criteria: Invitae Variant Classification Sherloc (09022015). Collection method: clinical testing. Allele origin: germline.
Comment: In summary, the available evidence is currently insufficient to determine the role of this variant in disease. Therefore, it has been classified as a Variant of Uncertain Significance. This variant is not present in population databases (gnomAD no frequency). This variant has not been reported in the literature in individuals affected with FBXO38-related conditions. Advanced modeling of protein sequence and biophysical properties (such as structural, functional, and spatial information, amino acid conservation, physicochemical variation, residue mobility, and thermodynamic stability) performed at Invitae indicates that this missense variant is not expected to disrupt FBXO38 protein function. This sequence change replaces alanine, which is neutral and non-polar, with serine, which is neutral and polar, at codon 378 of the FBXO38 protein (p.Ala378Ser).

NM_205836.3(FBXO38):c.1132G>T (p.Ala378Ser)

Gene: FBXO38 (F-box protein 38; plus strand). Cytogenetic location: 5q32.
Variant type: single nucleotide variant.
Coding change: c.1132G>T on transcript NM_205836.3 (MANE Select); coding-DNA position 1132, G replaced by T.
Protein change: p.Ala378Ser; replaces alanine 378 with serine.
Molecular consequence: missense variant.
Genome position (GRCh38, 1-based): chr5:148,414,174, G>T. VCF-style: chr5-148414174-G-T. GRCh37 (hg19) VCF-style: chr5-147793737-G-T.
Other names: c.1132G>T, p.Ala378Ser (NM_001271723.2, NM_030793.5); short protein forms A378S.
Identifiers: ClinVar variation 1718847 (VCV001718847.5), dbSNP rs2531754990, ClinGen allele CA361658640.
Genomic context (GRCh38, chr5:148,414,174, plus strand): 5'-TTTAATTGATTGCTCTTTTTAGGCAGAATGGCTAATGCGGATCTGGTGAAGTATGGTTTG[G>T]CTGATGTGGTAGAAAATCCTGGTATCATCACTGATATAGGGATGAAAGCAGTCAATGAAG-3'
Protein context (NP_995308.1, residues 368-388): ANADLVKYGL[Ala378Ser]DVVENPGIIT